The following is an entry in ClinVar:

NM_001270974.2(HYDIN):c.4475C>A (p.Pro1492His)

Gene: HYDIN (HYDIN axonemal central pair apparatus protein; minus strand). Cytogenetic location: 16q22.2.
Variant type: single nucleotide variant.
Coding change: c.4475C>A on transcript NM_001270974.2 (MANE Select); coding-DNA position 4475, C replaced by A.
Protein change: p.Pro1492His; replaces proline 1492 with histidine.
Molecular consequence: missense variant.
Genome position (GRCh38, 1-based): chr16:70,981,426, G>T on the plus strand (C>A on the coding strand, the complement: HYDIN is on the minus strand). VCF-style: chr16-70981426-G-T. GRCh37 (hg19) VCF-style: chr16-71015329-G-T.
Other names: short protein forms P1492H.
Identifiers: ClinVar variation 402956 (VCV000402956.8), dbSNP rs78763837, ClinGen allele CA8150709.

ClinVar aggregate classification (germline): Benign. Review status: criteria provided, multiple submitters, no conflicts (2 of 4 stars). 4 submissions from 4 submitters: Benign (4). Last evaluated 2024-11-27.

Conditions:
Primary ciliary dyskinesia 5. Also called: CILIARY DYSKINESIA, PRIMARY, 5, WITHOUT SITUS INVERSUS. Identifiers: Orphanet 244, MedGen C1837615, MONDO:0012088, OMIM 608647.

Allele frequency attached by ClinVar (database versions not stated): gnomAD exomes 0.41462 and 0.35283; 1000 Genomes Project 30x 0.46611; 1000 Genomes Project 0.46725; gnomAD 0.38686 and 0.39270; ExAC 0.40871; TOPMed 0.41445.
gnomAD v4.1: 576,133 of 1,612,908 alleles (36%); highest among the groups gnomAD compares: Admixed American, 60%; 108,409 homozygotes.

Submissions (4):

Blueprint Genetics
Classification: Benign. Last evaluated: 2024-11-27. Review status: criteria provided, single submitter. Criteria: ACMG Guidelines, 2015. Collection method: clinical testing. Allele origin: germline.

Genome-Nilou Lab
Classification: Benign for Primary ciliary dyskinesia 5. Last evaluated: 2021-08-10. Review status: criteria provided, single submitter. Criteria: ACMG Guidelines, 2015. Collection method: clinical testing. Allele origin: germline. Affected: no.

Laboratory for Molecular Medicine, Mass General Brigham Personalized Medicine
Classification: Benign. Last evaluated: 2016-03-28. Review status: criteria provided, single submitter. Criteria: LMM Criteria. Collection method: clinical testing. Allele origin: germline.
Comment: Variant identified in a genome or exome case(s) and assessed due to predicted null impact of the variant or pathogenic assertions in the literature or databases. Disclaimer: This variant has not undergone full assessment. The following are preliminary notes: Frequency

Breakthrough Genomics
Classification: Benign. Review status: criteria provided, single submitter. Criteria: ACMG Guidelines, 2015. Collection method: not provided. Allele origin: germline. Inheritance: Autosomal recessive inheritance. Affected: yes.